The following is an entry in ClinVar:

ClinVar aggregate classification (germline): Uncertain significance (1 of 4 stars; one submission).

Conditions:
Cardiovascular phenotype. Identifiers: MedGen CN230736.

Submission:

Ambry Genetics
Classification: Uncertain significance for Cardiovascular phenotype. Last evaluated: 2020-09-16. Review status: criteria provided, single submitter. Criteria: Ambry Variant Classification Scheme 2023. Collection method: clinical testing. Allele origin: germline.
Comment: The p.R8991L variant (also known as c.26972G>T), located in coding exon 107 of the TTN gene, results from a G to T substitution at nucleotide position 26972. The arginine at codon 8991 is replaced by leucine, an amino acid with dissimilar properties. This amino acid position is not well conserved in available vertebrate species. In addition, this alteration is predicted to be tolerated by in silico analysis. Since supporting evidence is limited at this time, the clinical significance of this alteration remains unclear.

NM_001267550.2(TTN):c.54167G>T (p.Arg18056Leu)

Genes: TTN (titin; minus strand), TTN-AS1 (TTN antisense RNA 1; plus strand). Cytogenetic location: 2q31.2.
Variant type: single nucleotide variant.
Coding change: c.54167G>T on transcript NM_001267550.2 (MANE Select); coding-DNA position 54167, G replaced by T.
Protein change: p.Arg18056Leu; replaces arginine 18056 with leucine.
Molecular consequence: missense variant. On other transcripts: non-coding transcript variant (1).
Genome position (GRCh38, 1-based): chr2:178,605,010, C>A on the plus strand (G>T on the coding strand, the complement: TTN is on the minus strand). VCF-style: chr2-178605010-C-A. GRCh37 (hg19) VCF-style: chr2-179469737-C-A.
Other names: c.49244G>T, p.Arg16415Leu (NM_001256850.1); c.26972G>T, p.Arg8991Leu (NM_003319.4); c.46463G>T, p.Arg15488Leu (NM_133378.4); c.27347G>T, p.Arg9116Leu (NM_133432.3); c.27548G>T, p.Arg9183Leu (NM_133437.4); short protein forms R18056L, R9116L, R9183L, R16415L, R15488L, R8991L.
Identifiers: ClinVar variation 1794854 (VCV001794854.2), dbSNP rs376932266, ClinGen allele CA349555435.